The following is an entry in ClinVar:

ClinVar aggregate classification (germline): Benign/Likely benign. Review status: criteria provided, multiple submitters, no conflicts (2 of 4 stars). 4 submissions from 4 submitters: Benign (2); Likely benign (2). Last evaluated 2025-09-01.

Allele frequency attached by ClinVar (database versions not stated): 1000 Genomes Project 0.00120; 1000 Genomes Project 30x 0.00141; ExAC 0.00218; ESP Exome Variant Server 0.00241; TOPMed 0.00252; gnomAD 0.00257 and 0.00310; gnomAD exomes 0.00261 and 0.00349.
gnomAD v4.1: 5,255 of 1,550,436 alleles (0.34%); highest among the groups gnomAD compares: Non-Finnish European, 0.38%; 24 homozygotes.

Submissions (4):

CeGaT Center for Human Genetics Tuebingen
Classification: Likely benign. Last evaluated: 2025-09-01. Review status: criteria provided, single submitter. Criteria: CeGaT Center For Human Genetics Tuebingen Variant Classification Criteria Version 2. Collection method: clinical testing. Allele origin: germline. Affected: yes. Observed: 3 variant alleles.
Comment: PTPRQ: BS1

Blueprint Genetics
Classification: Likely benign. Last evaluated: 2024-11-21. Review status: criteria provided, single submitter. Criteria: ACMG Guidelines, 2015. Collection method: clinical testing. Allele origin: germline.

GeneDx
Classification: Benign. Last evaluated: 2019-02-18. Review status: criteria provided, single submitter. Criteria: GeneDx Variant Classification Process June 2021. Collection method: clinical testing. Allele origin: germline. Affected: yes.
Comment: This variant is associated with the following publications: (PMID: 29308629)

Breakthrough Genomics
Classification: Benign. Review status: criteria provided, single submitter. Criteria: ACMG Guidelines, 2015. Collection method: not provided. Allele origin: germline. Inheritance: Autosomal recessive inheritance. Affected: yes.

NM_001145026.2(PTPRQ):c.2599T>C (p.Ser867Pro)

Gene: PTPRQ (protein tyrosine phosphatase receptor type Q; plus strand). Cytogenetic location: 12q21.31.
Variant type: single nucleotide variant.
Coding change: c.2599T>C on transcript NM_001145026.2 (MANE Select); coding-DNA position 2599, T replaced by C.
Protein change: p.Ser867Pro; replaces serine 867 with proline.
Molecular consequence: missense variant.
Genome position (GRCh38, 1-based): chr12:80,510,364, T>C. VCF-style: chr12-80510364-T-C. GRCh37 (hg19) VCF-style: chr12-80904143-T-C.
Other names: short protein forms S867P.
Identifiers: ClinVar variation 1289582 (VCV001289582.28), dbSNP rs143156047, ClinGen allele CA6702567.